The following is an entry in ClinVar:

ClinVar aggregate classification (germline): Likely benign. Review status: criteria provided, single submitter (1 of 4 stars). 2 submissions from 2 submitters: Likely benign (1). 1 of the submissions does not count toward it. Last evaluated 2025-06-09.

Conditions:
AFF4-related disorder. Also called: AFF4-related condition.
Cognitive impairment - coarse facies - heart defects - obesity - pulmonary involvement - short stature - skeletal dysplasia syndrome. Also called: COGNITIVE IMPAIRMENT, COARSE FACIES, HEART DEFECTS, OBESITY, PULMONARY INVOLVEMENT, SHORT STATURE, AND SKELETAL DYSPLASIA; AFF4-Related CHOPS Syndrome; Chops syndrome. Identifiers: Orphanet 444077, MedGen C4085597, MONDO:0014609, OMIM 616368.

Allele frequency attached by ClinVar (database versions not stated): gnomAD exomes 0.00001 and 0.00005; ExAC 0.00009; TOPMed 0.00020; gnomAD 0.00021 and 0.00022; ESP Exome Variant Server 0.00038; 1000 Genomes Project 0.00080; 1000 Genomes Project 30x 0.00094.
gnomAD v4.1: 50 of 1,600,554 alleles (0.0031%); highest among the groups gnomAD compares: African/African-American, 0.054%; no homozygotes.

Submissions (3):

Labcorp Genetics (formerly Invitae), Labcorp
Classification: Likely benign for Cognitive impairment - coarse facies - heart defects - obesity - pulmonary involvement - short stature - skeletal dysplasia syndrome. Last evaluated: 2025-06-09. Review status: criteria provided, single submitter. Criteria: Invitae Variant Classification Sherloc (09022015). Collection method: clinical testing. Allele origin: germline.

PreventionGenetics, part of Exact Sciences
Classification: Likely benign for AFF4-related condition. Last evaluated: 2021-11-01. Review status: no assertion criteria provided. Collection method: clinical testing. Allele origin: germline. Not counted in ClinVar's aggregate classification.
Comment: This variant is classified as likely benign based on ACMG/AMP sequence variant interpretation guidelines (Richards et al. 2015 PMID: 25741868, with internal and published modifications).

Dr. Peter K. Rogan Lab, Western University
No classification provided (evidence only). Condition: Familial cancer of breast. Review status: no classification provided. Collection method: in vitro. Allele origin: not applicable. Functional consequence: retained intron. Not counted in ClinVar's aggregate classification.

NM_014423.4(AFF4):c.2733-7C>G

Gene: AFF4 (ALF transcription elongation factor 4; minus strand). Cytogenetic location: 5q31.1.
Variant type: single nucleotide variant.
Coding change: c.2733-7C>G on transcript NM_014423.4 (MANE Select); 7 bases into the intron before coding-DNA position 2733, C replaced by G.
Molecular consequence: intron variant.
Genome position (GRCh38, 1-based): chr5:132,888,167, G>C on the plus strand (C>G on the coding strand, the complement: AFF4 is on the minus strand). VCF-style: chr5-132888167-G-C. GRCh37 (hg19) VCF-style: chr5-132223859-G-C.
Other names: c.2733-7C>G (NM_014423.3).
Identifiers: ClinVar variation 1550302 (VCV001550302.11), dbSNP rs373289956, ClinGen allele CA3408829.
Genomic context (GRCh38, chr5:132,888,167, plus strand): 5'-GCATTGTGCTTTAGCTTTTTTGCTTCTTGTAAATAATGGTCTGCTGAATAATTTCTGCAA[G>C]ACAAATTTTCATTATAAATAGAATAGTAAATATTTTCATAATACTAGTTCATTTCAGTAT-3'